The following is an entry in ClinVar:

NM_025074.7(FRAS1):c.517C>T (p.Arg173Trp)

Gene: FRAS1 (Fraser extracellular matrix complex subunit 1; plus strand). Cytogenetic location: 4q21.21.
Variant type: single nucleotide variant.
Coding change: c.517C>T on transcript NM_025074.7 (MANE Select); coding-DNA position 517, C replaced by T.
Protein change: p.Arg173Trp; replaces arginine 173 with tryptophan.
Molecular consequence: missense variant.
Genome position (GRCh38, 1-based): chr4:78,255,289, C>T. VCF-style: chr4-78255289-C-T. GRCh37 (hg19) VCF-style: chr4-79176443-C-T.
Other names: c.517C>T, p.Arg173Trp (NM_001166133.2); short protein forms R173W.
Identifiers: ClinVar variation 1049832 (VCV001049832.3), dbSNP rs767674052, ClinGen allele CA2975976.

ClinVar aggregate classification (germline): Uncertain significance. Review status: criteria provided, multiple submitters, no conflicts (2 of 4 stars). 3 submissions from 3 submitters: Uncertain significance (2). 1 of the submissions does not count toward it. Last evaluated 2021-10-25.

Conditions:
Fraser syndrome 1 (FRASRS1). Also called: CRYPTOPHTHALMOS WITH OTHER MALFORMATIONS. Identifiers: Orphanet 2052, MedGen C4551480, MONDO:0054737, OMIM 219000.

Allele frequency attached by ClinVar (database versions not stated): gnomAD exomes 0.00004; ExAC 0.00008.
gnomAD v4.1: 18 of 1,556,130 alleles (0.0012%); highest among the groups gnomAD compares: South Asian, 0.0047%; no homozygotes.

Submissions (3):

Fulgent Genetics
Classification: Uncertain significance for Fraser syndrome 1. Last evaluated: 2021-10-25. Review status: criteria provided, single submitter. Criteria: ACMG Guidelines, 2015. Collection method: clinical testing. Allele origin: unknown.

Breakthrough Genomics
Classification: Uncertain significance. Review status: criteria provided, single submitter. Criteria: ACMG Guidelines, 2015. Collection method: not provided. Allele origin: germline. Inheritance: Autosomal recessive inheritance. Affected: yes.

Department of Pathology and Laboratory Medicine, Sinai Health System
Classification: Uncertain significance. Review status: no assertion criteria provided. Collection method: clinical testing. Allele origin: unknown. Affected: yes. Study: The Canadian Open Genetics Repository (COGR). Not counted in ClinVar's aggregate classification.
Comment: The FRAS1 p.Arg173Trp variant was not identified in the literature nor was it identified in ClinVar, Cosmic, MutDB or LOVD 3.0. The variant was identified in dbSNP (ID: rs767674052) and in control databases in 6 of 164148 chromosomes at a frequency of 0.000037 (Genome Aggregation Database Feb 27, 2017). The variant was observed in the following populations: South Asian in 4 of 23120 chromosomes (freq: 0.000173), Ashkenazi Jewish in 1 of 8680 chromosomes (freq: 0.000115) and European (non-Finnish) in 1 of 65224 chromosomes (freq: 0.000015), but was not observed in the African, Latino, East Asian, European (Finnish) and other populations. The p.Arg173 residue is not conserved in mammals and computational analyses (PolyPhen-2, SIFT, AlignGVGD, BLOSUM, MutationTaster) provide inconsistent predictions regarding the impact to the protein; this information is not very predictive of pathogenicity. In summary, based on the above information the clinical significance of this variant cannot be determined with certainty at this time. This variant is classified as a variant of uncertain significance.